The following is an entry in ClinVar:

ClinVar aggregate classification (germline): Uncertain significance (1 of 4 stars; one submission).

Conditions:
Inborn genetic diseases. Identifiers: MedGen C0950123, MeSH D030342.

gnomAD v4.1: 1 of 1,610,098 alleles (0.000062%); highest among the groups gnomAD compares: Non-Finnish European, 0.000085%; no homozygotes.

Submission:

Ambry Genetics
Classification: Uncertain significance for Inborn genetic diseases. Last evaluated: 2025-02-16. Review status: criteria provided, single submitter. Criteria: Ambry Variant Classification Scheme 2023. Collection method: clinical testing. Allele origin: germline.
Comment: The p.P138T variant (also known as c.412C>A), located in coding exon 3 of the BMPR2 gene, results from a C to A substitution at nucleotide position 412. The proline at codon 138 is replaced by threonine, an amino acid with highly similar properties. This amino acid position is conserved. In addition, the in silico prediction for this alteration is inconclusive. Based on the available evidence, the clinical significance of this variant remains unclear.

NM_001204.7(BMPR2):c.412C>A (p.Pro138Thr)

Gene: BMPR2 (bone morphogenetic protein receptor type 2; plus strand). Cytogenetic location: 2q33.1.
Variant type: single nucleotide variant.
Coding change: c.412C>A on transcript NM_001204.7 (MANE Select); coding-DNA position 412, C replaced by A.
Protein change: p.Pro138Thr; replaces proline 138 with threonine.
Molecular consequence: missense variant.
Genome position (GRCh38, 1-based): chr2:202,467,683, C>A. VCF-style: chr2-202467683-C-A. GRCh37 (hg19) VCF-style: chr2-203332406-C-A.
Other names: short protein forms P138T.
Identifiers: ClinVar variation 3824916 (VCV003824916.1).